The following is an entry in ClinVar:

ClinVar aggregate classification (germline): Uncertain significance (1 of 4 stars; one submission).

gnomAD v4.1: 1 of 1,613,386 alleles (0.000062%); highest among the groups gnomAD compares: South Asian, 0.0011%; no homozygotes.

Submission:

GeneDx
Classification: Uncertain significance. Last evaluated: 2025-06-13. Review status: criteria provided, single submitter. Criteria: GeneDx Variant Classification Process June 2021. Collection method: clinical testing. Allele origin: germline. Affected: yes.
Comment: Not observed at significant frequency in large population cohorts (gnomAD); In silico analysis suggests that this missense variant does not alter protein structure/function; Has not been previously published as pathogenic or benign to our knowledge

NM_173551.5(ANKS6):c.2276G>A (p.Arg759Gln)

Gene: ANKS6 (ankyrin repeat and sterile alpha motif domain containing 6; minus strand). Cytogenetic location: 9q22.33.
Variant type: single nucleotide variant.
Coding change: c.2276G>A on transcript NM_173551.5 (MANE Select); coding-DNA position 2276, G replaced by A.
Protein change: p.Arg759Gln; replaces arginine 759 with glutamine.
Molecular consequence: missense variant.
Genome position (GRCh38, 1-based): chr9:98,756,470, C>T on the plus strand (G>A on the coding strand, the complement: ANKS6 is on the minus strand). VCF-style: chr9-98756470-C-T. GRCh37 (hg19) VCF-style: chr9-101518752-C-T.
Other names: short protein forms R759Q.
Identifiers: ClinVar variation 4537630 (VCV004537630.1).